The following is an entry in ClinVar:

NM_020320.5(RARS2):c.1318T>G (p.Leu440Val)

Gene: RARS2 (arginyl-tRNA synthetase 2, mitochondrial; minus strand). Cytogenetic location: 6q15.
Variant type: single nucleotide variant.
Coding change: c.1318T>G on transcript NM_020320.5 (MANE Select); coding-DNA position 1318, T replaced by G.
Protein change: p.Leu440Val; replaces leucine 440 with valine.
Molecular consequence: missense variant. On other transcripts: non-coding transcript variant (23).
Genome position (GRCh38, 1-based): chr6:87,518,727, A>C on the plus strand (T>G on the coding strand, the complement: RARS2 is on the minus strand). VCF-style: chr6-87518727-A-C. GRCh37 (hg19) VCF-style: chr6-88228445-A-C.
Other names: c.793T>G, p.Leu265Val (NM_001318785.2, NM_001350506.2, NM_001350507.2 and 4 more transcripts); c.1318T>G, p.Leu440Val (NM_001350505.2); short protein forms L440V, L265V.
Identifiers: ClinVar variation 3393685 (VCV003393685.2).

ClinVar aggregate classification (germline): Uncertain significance. Review status: criteria provided, multiple submitters, no conflicts (2 of 4 stars). 2 submissions from 2 submitters: Uncertain significance (2). Last evaluated 2025-08-23.

Conditions:
Inborn genetic diseases. Identifiers: MedGen C0950123, MeSH D030342.

gnomAD v4.1: 5 of 1,613,946 alleles (0.00031%); highest among the groups gnomAD compares: Non-Finnish European, 0.00042%; no homozygotes.

Submissions (2):

Ambry Genetics
Classification: Uncertain significance for Inborn genetic diseases. Last evaluated: 2025-08-23. Review status: criteria provided, single submitter. Criteria: Ambry Variant Classification Scheme 2023. Collection method: clinical testing. Allele origin: germline.

GeneDx
Classification: Uncertain significance. Last evaluated: 2024-07-02. Review status: criteria provided, single submitter. Criteria: GeneDx Variant Classification Process June 2021. Collection method: clinical testing. Allele origin: germline. Affected: yes.
Comment: In silico analysis indicates that this missense variant does not alter protein structure/function; Has not been previously published as pathogenic or benign to our knowledge